The following is an entry in ClinVar:

ClinVar aggregate classification (germline): Likely pathogenic (1 of 4 stars; one submission).

Conditions:
Nephronophthisis. Also called: Juvenile Nephronophthisis. Identifiers: Orphanet 655, MedGen C0687120, MONDO:0019005, HP:0000090.

Submission:

Labcorp Genetics (formerly Invitae), Labcorp
Classification: Likely pathogenic for Nephronophthisis. Last evaluated: 2026-01-06. Review status: criteria provided, single submitter. Criteria: Invitae Variant Classification Sherloc (09022015). Collection method: clinical testing. Allele origin: germline.
Comment: This sequence change affects a donor splice site in intron 22 of the NPHP3 gene. It is expected to disrupt RNA splicing. Variants that disrupt the donor or acceptor splice site typically lead to a loss of protein function (PMID: 16199547), and loss-of-function variants in NPHP3 are known to be pathogenic (PMID: 18371931, 23559409). This variant is not present in population databases (gnomAD no frequency). This variant has not been reported in the literature in individuals affected with NPHP3-related conditions. ClinVar contains an entry for this variant (Variation ID: 2132626). Algorithms developed to predict the effect of sequence changes on RNA splicing suggest that this variant may disrupt the consensus splice site. In summary, the currently available evidence indicates that the variant is pathogenic, but additional data are needed to prove that conclusively. Therefore, this variant has been classified as Likely Pathogenic.

Literature cited by the submitters: PubMed 16199547; PubMed 18371931; PubMed 23559409.

NM_153240.5(NPHP3):c.3201+2T>G

Genes: NPHP3 (nephrocystin 3; minus strand), NPHP3-ACAD11 (NPHP3-ACAD11 readthrough (NMD candidate); minus strand). Cytogenetic location: 3q22.1.
Variant type: single nucleotide variant.
Coding change: c.3201+2T>G on transcript NM_153240.5 (MANE Select); the canonical splice donor site of the intron after coding-DNA position 3201, T replaced by G.
Molecular consequence: splice donor variant.
Genome position (GRCh38, 1-based): chr3:132,687,149, A>C on the plus strand (T>G on the coding strand, the complement: NPHP3 is on the minus strand). VCF-style: chr3-132687149-A-C. GRCh37 (hg19) VCF-style: chr3-132405993-A-C.
Identifiers: ClinVar variation 2132626 (VCV002132626.4), dbSNP rs1939183391, ClinGen allele CA354579527.